The following is an entry in ClinVar:

NC_000007.13:g.(?_92148299)_(92157759_?)del

Gene: PEX1 (peroxisomal biogenesis factor 1; minus strand). Cytogenetic location: 7q21.2.
Variant type: Deletion.
Identifiers: ClinVar variation 1074109 (VCV001074109.5).

ClinVar aggregate classification (germline): Pathogenic (1 of 4 stars; one submission).

Conditions:
Zellweger spectrum disorders (ZS). Also called: Zellweger syndrome; Zellweger Spectrum Disorder; Zellweger Spectrum; Zellweger Spectrum Disorder (ZSD). Identifiers: Orphanet 912, MedGen C0043459, MONDO:0019609.

Submission:

Labcorp Genetics (formerly Invitae), Labcorp
Classification: Pathogenic for Zellweger spectrum disorders. Last evaluated: 2020-03-28. Review status: criteria provided, single submitter. Criteria: Invitae Variant Classification Sherloc (09022015). Collection method: clinical testing. Allele origin: germline.
Comment: For these reasons, this variant has been classified as Pathogenic. Loss-of-function variants in PEX1 are known to be pathogenic (PMID: 9398847, 16086329, 16141001, 21031596). This variant has not been reported in the literature in individuals with PEX1-related conditions. This variant is a gross deletion of the genomic region encompassing exons 1-3 of the PEX1 gene, which includes the initiator codon. The 5' end of this event is unknown as it extends beyond the assayed region for this gene and therefore may encompass additional genes. The 3' boundary is likely confined to intron 3 of the PEX1 gene. This is expected to result in an absent or disrupted protein product.

Literature cited by the submitters: PubMed 9398847; PubMed 16086329; PubMed 16141001; PubMed 21031596.